The following is an entry in ClinVar:

ClinVar aggregate classification (germline): Uncertain significance (1 of 4 stars; one submission).

Submission:

CeGaT Center for Human Genetics Tuebingen
Classification: Uncertain significance. Last evaluated: 2024-10-01. Review status: criteria provided, single submitter. Criteria: CeGaT Center For Human Genetics Tuebingen Variant Classification Criteria Version 2. Collection method: clinical testing. Allele origin: germline. Affected: yes. Observed: 1 variant allele.
Comment: CTNNB1: PM2, BP1

NM_001904.4(CTNNB1):c.203A>C (p.Gln68Pro)

Genes: CTNNB1 (catenin beta 1; plus strand), LOC126806658 (BRD4-independent group 4 enhancer GRCh37_chr3:41265899-41267098; plus strand). Cytogenetic location: 3p22.1.
Variant type: single nucleotide variant.
Coding change: c.203A>C on transcript NM_001904.4 (MANE Select); coding-DNA position 203, A replaced by C.
Protein change: p.Gln68Pro; replaces glutamine 68 with proline.
Molecular consequence: missense variant.
Genome position (GRCh38, 1-based): chr3:41,224,715, A>C. VCF-style: chr3-41224715-A-C. GRCh37 (hg19) VCF-style: chr3-41266206-A-C.
Other names: c.203A>C, p.Gln68Pro (NM_001098209.2, NM_001098210.2); c.182A>C, p.Gln61Pro (NM_001330729.2); short protein forms Q61P, Q68P.
Identifiers: ClinVar variation 3388221 (VCV003388221.14).